The following is an entry in ClinVar:

ClinVar aggregate classification (germline): Likely benign. Review status: criteria provided, multiple submitters, no conflicts (2 of 4 stars). 2 submissions from 2 submitters: Likely benign (2). Last evaluated 2023-10-10.

Conditions:
Methylmalonic acidemia with homocystinuria, type cblX (MAHCX). Also called: INTELLECTUAL DEVELOPMENTAL DISORDER, X-LINKED 3. Identifiers: Orphanet 369962, MedGen C0796208, MONDO:0010657, OMIM 309541.

gnomAD v4.1: 11 of 1,204,895 alleles (0.00091%); highest among the groups gnomAD compares: Non-Finnish European, 0.0012%; 1 homozygote.

Submissions (2):

Labcorp Genetics (formerly Invitae), Labcorp
Classification: Likely benign for Methylmalonic acidemia with homocystinuria, type cblX. Last evaluated: 2023-10-10. Review status: criteria provided, single submitter. Criteria: Invitae Variant Classification Sherloc (09022015). Collection method: clinical testing. Allele origin: germline.

CeGaT Center for Human Genetics Tuebingen
Classification: Likely benign. Last evaluated: 2023-08-01. Review status: criteria provided, single submitter. Criteria: CeGaT Center For Human Genetics Tuebingen Variant Classification Criteria Version 2. Collection method: clinical testing. Allele origin: germline. Affected: yes. Observed: 1 variant allele.
Comment: HCFC1: BP4

NM_005334.3(HCFC1):c.3719C>T (p.Ala1240Val)

Gene: HCFC1 (host cell factor C1; minus strand). Cytogenetic location: Xq28.
Variant type: single nucleotide variant.
Coding change: c.3719C>T on transcript NM_005334.3 (MANE Select); coding-DNA position 3719, C replaced by T.
Protein change: p.Ala1240Val; replaces alanine 1240 with valine.
Molecular consequence: missense variant.
Genome position (GRCh38, 1-based): chrX:153,954,680, G>A on the plus strand (C>T on the coding strand, the complement: HCFC1 is on the minus strand). VCF-style: chrX-153954680-G-A. GRCh37 (hg19) VCF-style: chrX-153220131-G-A.
Other names: c.3719C>T, p.Ala1240Val (NM_001410705.1); short protein forms A1240V.
Identifiers: ClinVar variation 1928855 (VCV001928855.29), dbSNP rs782749607, ClinGen allele CA10557144.